The following is an entry in ClinVar:

NM_014956.5(CEP164):c.262T>C (p.Cys88Arg)

Gene: CEP164 (centrosomal protein 164; plus strand). Cytogenetic location: 11q23.3.
Variant type: single nucleotide variant.
Coding change: c.262T>C on transcript NM_014956.5 (MANE Select); coding-DNA position 262, T replaced by C.
Protein change: p.Cys88Arg; replaces cysteine 88 with arginine.
Molecular consequence: missense variant.
Genome position (GRCh38, 1-based): chr11:117,351,857, T>C. VCF-style: chr11-117351857-T-C. GRCh37 (hg19) VCF-style: chr11-117222573-T-C.
Other names: c.262T>C, p.Cys88Arg (NM_001271933.2); short protein forms C88R.
Identifiers: ClinVar variation 383931 (VCV000383931.3), dbSNP rs1057521785, ClinGen allele CA16606870.

ClinVar aggregate classification (germline): Conflicting classifications of pathogenicity. Review status: criteria provided, conflicting classifications (1 of 4 stars). 2 submissions from 2 submitters: Likely pathogenic (1); Uncertain significance (1). Last evaluated 2024-05-30.

Conditions:
Nephronophthisis 15 (NPHP15). Identifiers: Orphanet 3156, MedGen C3541853, MONDO:0013917, OMIM 614845.

Submissions (2):

Fulgent Genetics
Classification: Uncertain significance for Nephronophthisis 15. Last evaluated: 2024-05-30. Review status: criteria provided, single submitter. Criteria: ACMG Guidelines, 2015. Collection method: clinical testing. Allele origin: germline.

GeneDx
Classification: Likely pathogenic. Last evaluated: 2016-03-03. Review status: criteria provided, single submitter. Criteria: GeneDx Variant Classification (06012015). Collection method: clinical testing. Allele origin: germline. Affected: yes.
Comment: The C88R variant in the CEP164 gene has not been reported previously as a pathogenic variant, nor as a benign variant, to our knowledge. The C88R variant was not observed in approximately 6500 individuals of European and African American ancestry in the NHLBI Exome Sequencing Project, indicating it is not a common benign variant in these populations. The C88R variant is a non-conservative amino acid substitution, which is likely to impact secondary protein structure as these residues differ in polarity, charge, size and/or other properties. Additionally, this substitution occurs at a position that is conserved across species and in silico analysis predicts this variant is probably damaging to the protein structure/function. The C88R variant is a strong candidate for a pathogenic variant, however the possibility it may be a rare benign variant cannot be excluded.